The following is an entry in ClinVar:

ClinVar aggregate classification (germline): Uncertain significance. Review status: criteria provided, single submitter (1 of 4 stars). 2 submissions from 2 submitters: Uncertain significance (1). 1 of the submissions does not count toward it.

Conditions:
Asphyxiating thoracic dystrophy 3. Also called: SHORT-RIB THORACIC DYSPLASIA 3 WITH OR WITHOUT POLYDACTYLY; POLYDACTYLY WITH NEONATAL CHONDRODYSTROPHY, TYPE I; SHORT-RIB THORACIC DYSPLASIA 3/6 WITH POLYDACTYLY, DIGENIC; Short rib polydactyly syndrome 2B; Saldino-Noonan Syndrome. Identifiers: Orphanet 474, Orphanet 93269, Orphanet 93270, Orphanet 93271, MedGen C0036069, MONDO:0013127, OMIM 613091.

Allele frequency attached by ClinVar (database versions not stated): TOPMed below 0.00001; gnomAD exomes 0.00001.
gnomAD v4.1: 3 of 1,585,028 alleles (0.00019%); highest among the groups gnomAD compares: East Asian, 0.0068%; no homozygotes.

Submissions (2):

Juno Genomics, Hangzhou Juno Genomics, Inc
Classification: Uncertain significance for Asphyxiating thoracic dystrophy 3. Review status: criteria provided, single submitter. Criteria: ACMG Guidelines, 2015. Collection method: clinical testing. Allele origin: germline.
Comment: Absent from controls (or at extremely low frequency if recessive) in Genome Aggregation Database.;Multiple lines of computational evidence support a deleterious effect on the gene or gene product.;For recessive disorders, detected in trans with a pathogenic variant.;Patient's phenotype or family history is highly specific for a disease with a single genetic etiology.

Precision Medical Center, Maternal and Child Health Hospital of Hubei Province
Classification: Uncertain significance for Asphyxiating thoracic dystrophy 3. Last evaluated: 2020-12-02. Review status: no assertion criteria provided. Collection method: research. Allele origin: paternal. Inheritance: Autosomal recessive inheritance. Affected: yes. Not counted in ClinVar's aggregate classification.

NM_001377.3(DYNC2H1):c.11483T>G (p.Ile3828Arg)

Gene: DYNC2H1 (dynein cytoplasmic 2 heavy chain 1; plus strand). Cytogenetic location: 11q22.3.
Variant type: single nucleotide variant.
Coding change: c.11483T>G on transcript NM_001377.3 (MANE Select); coding-DNA position 11483, T replaced by G.
Protein change: p.Ile3828Arg; replaces isoleucine 3828 with arginine.
Molecular consequence: missense variant.
Genome position (GRCh38, 1-based): chr11:103,307,821, T>G. VCF-style: chr11-103307821-T-G. GRCh37 (hg19) VCF-style: chr11-103178550-T-G.
Other names: c.11504T>G, p.Ile3835Arg (NM_001080463.2); short protein forms I3828R, I3835R.
Identifiers: ClinVar variation 1210117 (VCV001210117.4), dbSNP rs1237147992, ClinGen allele CA382262176.
Genomic context (GRCh38, chr11:103,307,821, plus strand): 5'-GGCTCACTGCAGAAGTTCATCCCAACTTTACTCCTATTTTACTACAGTCAAGTCTGAAGA[T>G]AACATATGAGGTAAGAAGATTTAAAACTTGGATCACCAGTTGTATGAAAGCAGTACTCTA-3'
Protein context (NP_001368.2, residues 3818-3838): TPILLQSSLK[Ile3828Arg]TYESPPGLKK